The following is an entry in ClinVar:

ClinVar aggregate classification (germline): Uncertain significance. Review status: criteria provided, multiple submitters, no conflicts (2 of 4 stars). 3 submissions from 3 submitters: Uncertain significance (3). Last evaluated 2024-02-12.

Conditions:
Heterotopia, periventricular, X-linked dominant (PVNH1). Also called: PERIVENTRICULAR NODULAR HETEROTOPIA 1; PERIVENTRICULAR NODULAR HETEROTOPIA 4; HETEROTOPIA, PERIVENTRICULAR, 1; X-linked periventricular heterotopia. Identifiers: Orphanet 2149, Orphanet 82004, MedGen C1848213, MONDO:0010233, OMIM 300049.
Melnick-Needles syndrome (MNS). Also called: Melnick-Needles Syndrome (FLNA-MNS); MELNICK-NEEDLES OSTEODYSPLASTY; OSTEODYSPLASTY OF MELNICK AND NEEDLES. Identifiers: Orphanet 2484, MedGen C0025237, MONDO:0010650, OMIM 309350.
Frontometaphyseal dysplasia (FMD1). Identifiers: Orphanet 1826, MedGen C0265293, MONDO:0015942.
Oto-palato-digital syndrome, type II (OPD2). Also called: Otopalatodigital Syndrome, Type II; Otopalatodigital Syndrome Type 2 (FLNA-OPD2); FACIOPALATOOSSEOUS SYNDROME; OPD II SYNDROME. Identifiers: Orphanet 669, Orphanet 90652, MedGen C1844696, MONDO:0010571, OMIM 304120.

gnomAD v4.1: 2 of 1,210,894 alleles (0.00017%); highest among the groups gnomAD compares: East Asian, 0.003%; no homozygotes.

Submissions (3):

Blueprint Genetics
Classification: Uncertain significance. Last evaluated: 2024-02-12. Review status: criteria provided, single submitter. Criteria: ACMG Guidelines, 2015. Collection method: clinical testing. Allele origin: germline.

Labcorp Genetics (formerly Invitae), Labcorp
Classification: Uncertain significance for Oto-palato-digital syndrome, type II; Heterotopia, periventricular, X-linked dominant; Frontometaphyseal dysplasia; Melnick-Needles syndrome. Last evaluated: 2023-10-04. Review status: criteria provided, single submitter. Criteria: Invitae Variant Classification Sherloc (09022015). Collection method: clinical testing. Allele origin: germline.
Comment: This sequence change replaces aspartic acid, which is acidic and polar, with asparagine, which is neutral and polar, at codon 2357 of the FLNA protein (p.Asp2357Asn). This variant is not present in population databases (gnomAD no frequency). This variant has not been reported in the literature in individuals affected with FLNA-related conditions. ClinVar contains an entry for this variant (Variation ID: 1186006). Advanced modeling of protein sequence and biophysical properties (such as structural, functional, and spatial information, amino acid conservation, physicochemical variation, residue mobility, and thermodynamic stability) performed at Invitae indicates that this missense variant is not expected to disrupt FLNA protein function. In summary, the available evidence is currently insufficient to determine the role of this variant in disease. Therefore, it has been classified as a Variant of Uncertain Significance.

GeneDx
Classification: Uncertain significance. Last evaluated: 2019-10-03. Review status: criteria provided, single submitter. Criteria: GeneDx Variant Classification Process June 2021. Collection method: clinical testing. Allele origin: germline. Affected: yes.
Comment: Has not been previously published as pathogenic or benign to our knowledge; Not observed in large population cohorts (Lek et al., 2016); In silico analysis, which includes protein predictors and evolutionary conservation, supports a deleterious effect

NM_001110556.2(FLNA):c.7093G>A (p.Asp2365Asn)

Gene: FLNA (filamin A; minus strand). Cytogenetic location: Xq28.
Variant type: single nucleotide variant.
Coding change: c.7093G>A on transcript NM_001110556.2 (MANE Select); coding-DNA position 7093, G replaced by A.
Protein change: p.Asp2365Asn; replaces aspartic acid 2365 with asparagine.
Molecular consequence: missense variant.
Genome position (GRCh38, 1-based): chrX:154,350,972, C>T on the plus strand (G>A on the coding strand, the complement: FLNA is on the minus strand). VCF-style: chrX-154350972-C-T. GRCh37 (hg19) VCF-style: chrX-153579340-C-T.
Other names: c.7069G>A, p.Asp2357Asn (NM_001456.4); short protein forms D2357N, D2365N.
Identifiers: ClinVar variation 1186006 (VCV001186006.9), dbSNP rs2148102159, ClinGen allele CA415185052.
Genomic context (GRCh38, chrX:154,350,972, plus strand): 5'-GGTCAATTTCTGTGACATAGCACTCCTCCAGGGCTCCTGAGGGGCTGTGCACCTTGGCAT[C>T]GATCGCCCCCTTGGCCCCGTTCAGGCTGACTGCAAAAGAGGCTGGCTGGTTGACCTTTAG-3'
Protein context (NP_001104026.1, residues 2355-2375): VSLNGAKGAI[Asp2365Asn]AKVHSPSGAL